The following is an entry in ClinVar:

NM_000536.4(RAG2):c.607G>A (p.Gly203Arg)

Gene: RAG2 (recombination activating 2; minus strand). Cytogenetic location: 11p12.
Variant type: single nucleotide variant.
Coding change: c.607G>A on transcript NM_000536.4 (MANE Select); coding-DNA position 607, G replaced by A.
Protein change: p.Gly203Arg; replaces glycine 203 with arginine.
Molecular consequence: missense variant.
Genome position (GRCh38, 1-based): chr11:36,593,562, C>T on the plus strand (G>A on the coding strand, the complement: RAG2 is on the minus strand). VCF-style: chr11-36593562-C-T. GRCh37 (hg19) VCF-style: chr11-36615112-C-T.
Other names: c.607G>A, p.Gly203Arg (NM_001243785.2, NM_001243786.2); short protein forms G203R.
Identifiers: ClinVar variation 3761390 (VCV003761390.2).

ClinVar aggregate classification (germline): Likely pathogenic (1 of 4 stars; one submission).

Conditions:
Combined immunodeficiency with skin granulomas. Identifiers: Orphanet 157949, MedGen C2673536, MONDO:0009306, OMIM 233650.
Severe combined immunodeficiency, autosomal recessive, T cell-negative, B cell-negative, NK cell-positive. Also called: SCID, AR, T-cell negative, B-cell negative, NK cell-positive; SCID, T CELL-NEGATIVE, B CELL-NEGATIVE, NK CELL-POSITIVE; Severe combined immunodeficiency due to complete RAG1/2 deficiency. Identifiers: Orphanet 331206, MedGen C1832322, MONDO:0011086, OMIM 601457.

Submission:

Labcorp Genetics (formerly Invitae), Labcorp
Classification: Likely pathogenic for Combined immunodeficiency with skin granulomas; Severe combined immunodeficiency, autosomal recessive, T cell-negative, B cell-negative, NK cell-positive. Last evaluated: 2025-01-07. Review status: criteria provided, single submitter. Criteria: Invitae Variant Classification Sherloc (09022015). Collection method: clinical testing. Allele origin: germline.
Comment: This sequence change replaces glycine, which is neutral and non-polar, with arginine, which is basic and polar, at codon 203 of the RAG2 protein (p.Gly203Arg). This variant is not present in population databases (gnomAD no frequency). This variant has not been reported in the literature in individuals affected with RAG2-related conditions. Invitae Evidence Modeling of protein sequence and biophysical properties (such as structural, functional, and spatial information, amino acid conservation, physicochemical variation, residue mobility, and thermodynamic stability) indicates that this missense variant is expected to disrupt RAG2 protein function with a positive predictive value of 95%. This variant disrupts the p.Gly203 amino acid residue in RAG2. Other variant(s) that disrupt this residue have been determined to be pathogenic (PMID: 33628209). This suggests that this residue is clinically significant, and that variants that disrupt this residue are likely to be disease-causing. In summary, the currently available evidence indicates that the variant is pathogenic, but additional data are needed to prove that conclusively. Therefore, this variant has been classified as Likely Pathogenic.

Literature cited by the submitters: PubMed 33628209.